The following is an entry in ClinVar:

ClinVar aggregate classification (germline): Uncertain significance (1 of 4 stars; one submission).

Conditions:
CIT-related disorder. Also called: CIT-related condition.

gnomAD v4.1: 15 of 1,614,042 alleles (0.00093%); highest among the groups gnomAD compares: South Asian, 0.0088%; no homozygotes.

Submission:

PreventionGenetics, part of Exact Sciences
Classification: Uncertain significance for CIT-related condition. Last evaluated: 2025-01-31. Review status: criteria provided, single submitter. Criteria: ACMG Guidelines, 2015. Collection method: clinical testing. Allele origin: germline.
Comment: The CIT c.4217G>A variant is predicted to result in the amino acid substitution p.Arg1406Gln. To our knowledge, this variant has not been reported in the literature. This variant is reported in 0.016% of alleles in individuals of South Asian descent in gnomAD. At this time, the clinical significance of this variant is uncertain due to the absence of conclusive functional and genetic evidence.

NM_001206999.2(CIT):c.4217G>A (p.Arg1406Gln)

Gene: CIT (citron rho-interacting serine/threonine kinase; minus strand). Cytogenetic location: 12q24.23.
Variant type: single nucleotide variant.
Coding change: c.4217G>A on transcript NM_001206999.2 (MANE Select); coding-DNA position 4217, G replaced by A.
Protein change: p.Arg1406Gln; replaces arginine 1406 with glutamine.
Molecular consequence: missense variant.
Genome position (GRCh38, 1-based): chr12:119,714,286, C>T on the plus strand (G>A on the coding strand, the complement: CIT is on the minus strand). VCF-style: chr12-119714286-C-T. GRCh37 (hg19) VCF-style: chr12-120152091-C-T.
Other names: c.4091G>A, p.Arg1364Gln (NM_007174.3); short protein forms R1406Q, R1364Q.
Identifiers: ClinVar variation 4998510 (VCV004998510.1).